The following is an entry in ClinVar:

NM_017654.4(SAMD9):c.2867T>C (p.Phe956Ser)

Gene: SAMD9 (sterile alpha motif domain containing 9; minus strand). Cytogenetic location: 7q21.2.
Variant type: single nucleotide variant.
Coding change: c.2867T>C on transcript NM_017654.4 (MANE Select); coding-DNA position 2867, T replaced by C.
Protein change: p.Phe956Ser; replaces phenylalanine 956 with serine.
Molecular consequence: missense variant.
Genome position (GRCh38, 1-based): chr7:93,103,231, A>G on the plus strand (T>C on the coding strand, the complement: SAMD9 is on the minus strand). VCF-style: chr7-93103231-A-G. GRCh37 (hg19) VCF-style: chr7-92732544-A-G.
Other names: c.2867T>C, p.Phe956Ser (NM_001193307.2); short protein forms F956S.
Identifiers: ClinVar variation 2663063 (VCV002663063.5), dbSNP rs767133608, ClinGen allele CA4342774.

ClinVar aggregate classification (germline): Uncertain significance. Review status: criteria provided, multiple submitters, no conflicts (2 of 4 stars). 3 submissions from 3 submitters: Uncertain significance (3). Last evaluated 2025-01-13.

Conditions:
Inborn genetic diseases. Identifiers: MedGen C0950123, MeSH D030342.

Allele frequency attached by ClinVar (database versions not stated): ExAC 0.00002.
gnomAD v4.1: 13 of 1,613,790 alleles (0.00081%); highest among the groups gnomAD compares: East Asian, 0.0022%; no homozygotes.

Submissions (3):

Ambry Genetics
Classification: Uncertain significance for Inborn genetic diseases. Last evaluated: 2025-01-13. Review status: criteria provided, single submitter. Criteria: Ambry Variant Classification Scheme 2023. Collection method: clinical testing. Allele origin: germline.
Comment: The p.F956S variant (also known as c.2867T>C), located in coding exon 1 of the SAMD9 gene, results from a T to C substitution at nucleotide position 2867. The phenylalanine at codon 956 is replaced by serine, an amino acid with highly dissimilar properties. This amino acid position is conserved. In addition, this alteration is predicted to be tolerated by in silico analysis. Based on the available evidence, the clinical significance of this variant remains unclear.

Labcorp Genetics (formerly Invitae), Labcorp
Classification: Uncertain significance. Last evaluated: 2023-10-29. Review status: criteria provided, single submitter. Criteria: Invitae Variant Classification Sherloc (09022015). Collection method: clinical testing. Allele origin: germline.
Comment: This sequence change replaces phenylalanine, which is neutral and non-polar, with serine, which is neutral and polar, at codon 956 of the SAMD9 protein (p.Phe956Ser). This variant is present in population databases (rs767133608, gnomAD 0.002%). This variant has not been reported in the literature in individuals affected with SAMD9-related conditions. Advanced modeling of protein sequence and biophysical properties (such as structural, functional, and spatial information, amino acid conservation, physicochemical variation, residue mobility, and thermodynamic stability) performed at Invitae indicates that this missense variant is not expected to disrupt SAMD9 protein function with a negative predictive value of 95%. In summary, the available evidence is currently insufficient to determine the role of this variant in disease. Therefore, it has been classified as a Variant of Uncertain Significance.

GeneDx
Classification: Uncertain significance. Last evaluated: 2023-05-09. Review status: criteria provided, single submitter. Criteria: GeneDx Variant Classification Process June 2021. Collection method: clinical testing. Allele origin: germline. Affected: yes.
Comment: Not observed at significant frequency in large population cohorts (gnomAD); In silico analysis supports that this missense variant does not alter protein structure/function; Has not been previously published as pathogenic or benign to our knowledge